The following is an entry in ClinVar:

ClinVar aggregate classification (germline): Uncertain significance (1 of 4 stars; one submission).

Conditions:
Cardiovascular phenotype. Identifiers: MedGen CN230736.

gnomAD v4.1: 1 of 1,604,200 alleles (0.000062%); highest among the groups gnomAD compares: South Asian, 0.0011%; no homozygotes.

Submission:

Ambry Genetics
Classification: Uncertain significance for Cardiovascular phenotype. Last evaluated: 2024-06-10. Review status: criteria provided, single submitter. Criteria: Ambry Variant Classification Scheme 2023. Collection method: clinical testing. Allele origin: germline.
Comment: The p.E3191K variant (also known as c.9571G>A), located in coding exon 67 of the RYR2 gene, results from a G to A substitution at nucleotide position 9571. The glutamic acid at codon 3191 is replaced by lysine, an amino acid with similar properties. This amino acid position is well conserved in available vertebrate species. In addition, the in silico prediction for this alteration is inconclusive. Based on the available evidence, the clinical significance of this variant remains unclear.

NM_001035.3(RYR2):c.9571G>A (p.Glu3191Lys)

Gene: RYR2 (ryanodine receptor 2; plus strand). Cytogenetic location: 1q43.
Variant type: single nucleotide variant.
Coding change: c.9571G>A on transcript NM_001035.3 (MANE Select); coding-DNA position 9571, G replaced by A.
Protein change: p.Glu3191Lys; replaces glutamic acid 3191 with lysine.
Molecular consequence: missense variant.
Genome position (GRCh38, 1-based): chr1:237,705,334, G>A. VCF-style: chr1-237705334-G-A. GRCh37 (hg19) VCF-style: chr1-237868634-G-A.
Other names: short protein forms E3191K.
Identifiers: ClinVar variation 3315902 (VCV003315902.1).
Genomic context (GRCh38, chr1:237,705,334, plus strand): 5'-TTGGAAACTCATCTGGACAAACATAATATTTACTCCATCTACAATACCAAGTCTTCACGA[G>A]AAAGAGCAGGTAACACAGAAACATGTGCAGTGCTTTGAGATATGAAGCTAAAACTTGATA-3'
Protein context (NP_001026.2, residues 3181-3201): YSIYNTKSSR[Glu3191Lys]RAALSLPTNV